The following is an entry in ClinVar:

ClinVar aggregate classification (germline): Benign (1 of 4 stars; one submission).

Submission:

Unidad de Genómica Garrahan, Hospital de Pediatría Garrahan
Classification: Benign. Last evaluated: 2024-01-24. Review status: criteria provided, single submitter. Criteria: ACMG Guidelines, 2015. Collection method: clinical testing. Allele origin: germline. Affected: no. Observed: 37 variant alleles.
Comment: This variant is classified as Benign based on local population frequency. This variant was detected in 39% of patients studied by a panel of primary immunodeficiencies. Number of patients: 37. Only high quality variants are reported.

NM_003120.3(SPI1):c.493+105TG[8]

Gene: SPI1 (Spi-1 proto-oncogene; minus strand). Cytogenetic location: 11p11.2.
Variant type: Microsatellite.
Coding change: c.493+105TG[8] on transcript NM_003120.3 (MANE Select); eight copies in a row of the 2-base unit TG starting at c.493+105; the reference has seven copies in a row; one copy, 2 bases duplicated.
Molecular consequence: intron variant.
Genome position (GRCh38, 1-based): chr11:47,358,726-47,358,727, CA duplicated on the plus strand (TG on the coding strand, the reverse complement: SPI1 is on the minus strand); duplicating any 2 consecutive bases within chr11:47,358,726-47,358,740 gives the same sequence; the position shown is the placement nearest the transcript's 3' end. VCF-style (leftmost placement, unchanged base first): chr11-47358725-G-GCA. GRCh37 (hg19) VCF-style: chr11-47380276-G-GCA.
Other names: c.496+105TG[8] (NM_001080547.2).
Identifiers: ClinVar variation 2688186 (VCV002688186.2), dbSNP rs3832728, ClinGen allele CA5975457.